The following is an entry in ClinVar:

NM_003038.5(SLC1A4):c.1040C>T (p.Ala347Val)

Gene: SLC1A4 (solute carrier family 1 member 4; plus strand). Cytogenetic location: 2p14.
Variant type: single nucleotide variant.
Coding change: c.1040C>T on transcript NM_003038.5 (MANE Select); coding-DNA position 1040, C replaced by T.
Protein change: p.Ala347Val; replaces alanine 347 with valine.
Molecular consequence: missense variant.
Genome position (GRCh38, 1-based): chr2:65,018,076, C>T. VCF-style: chr2-65018076-C-T. GRCh37 (hg19) VCF-style: chr2-65245210-C-T.
Other names: c.146C>T, p.Ala49Val (NM_001193493.2); c.380C>T, p.Ala127Val (NM_001348406.2, NM_001348407.2); short protein forms A127V, A49V, A347V.
Identifiers: ClinVar variation 1465411 (VCV001465411.8), dbSNP rs1429785570, ClinGen allele CA347009393.
Genomic context (GRCh38, chr2:65,018,076, plus strand): 5'-GTTAGCCTGCCTCGGACTGTTGTCATGTCTGGCGGTTTGTTTTTCCCATTTCTAGCTCAG[C>T]GACCCTTCCCTCTATGATGAAGTGCATTGAAGAGAACAATGGTGTGGACAAGAGGATCAG-3'
Protein context (NP_003029.2, residues 337-357): ATAFATCSSS[Ala347Val]TLPSMMKCIE

ClinVar aggregate classification (germline): Uncertain significance (1 of 4 stars; one submission).

Allele frequency attached by ClinVar (database versions not stated): gnomAD exomes below 0.00001; TOPMed below 0.00001; gnomAD 0.00001.
gnomAD v4.1: 4 of 1,612,100 alleles (0.00025%); highest among the groups gnomAD compares: Admixed American, 0.0017%; no homozygotes.

Submission:

Labcorp Genetics (formerly Invitae), Labcorp
Classification: Uncertain significance. Last evaluated: 2023-05-22. Review status: criteria provided, single submitter. Criteria: Invitae Variant Classification Sherloc (09022015). Collection method: clinical testing. Allele origin: germline.
Comment: This variant is not present in population databases (gnomAD no frequency). This sequence change replaces alanine, which is neutral and non-polar, with valine, which is neutral and non-polar, at codon 347 of the SLC1A4 protein (p.Ala347Val). This variant has not been reported in the literature in individuals affected with SLC1A4-related conditions. In summary, the available evidence is currently insufficient to determine the role of this variant in disease. Therefore, it has been classified as a Variant of Uncertain Significance. Advanced modeling of protein sequence and biophysical properties (such as structural, functional, and spatial information, amino acid conservation, physicochemical variation, residue mobility, and thermodynamic stability) performed at Invitae indicates that this missense variant is not expected to disrupt SLC1A4 protein function. ClinVar contains an entry for this variant (Variation ID: 1465411).